The following is an entry in ClinVar:

ClinVar aggregate classification (germline): Uncertain significance. Review status: criteria provided, multiple submitters, no conflicts (2 of 4 stars). 2 submissions from 2 submitters: Uncertain significance (2). Last evaluated 2026-07-10.

Conditions:
Hereditary cancer-predisposing syndrome. Also called: Hereditary Cancer Syndrome; Hereditary neoplastic syndrome; Neoplastic Syndromes, Hereditary; Tumor predisposition. Identifiers: Orphanet 140162, MedGen C0027672, MeSH D009386, MONDO:0015356.
Isolated focal cortical dysplasia type II (FCORD2). Also called: CORTICAL DYSPLASIA OF TAYLOR; Focal cortical dysplasia type II. Identifiers: Orphanet 268994, MedGen C1846385, MONDO:0011818, OMIM 607341, HP:0032051.

Submissions (2):

Ambry Genetics
Classification: Uncertain significance for Hereditary cancer-predisposing syndrome. Last evaluated: 2026-07-10. Review status: criteria provided, single submitter. Criteria: Ambry Variant Classification Scheme 2023. Collection method: clinical testing. Allele origin: germline.
Comment: The p.P1188A variant (also known as c.3562C>G), located in coding exon 29 of the TSC2 gene, results from a C to G substitution at nucleotide position 3562. The proline at codon 1188 is replaced by alanine, an amino acid with highly similar properties. This amino acid position is highly conserved in available vertebrate species. In addition, this alteration is predicted to be deleterious by in silico analysis. Based on the available evidence, the clinical significance of this variant remains unclear.

Baylor Genetics
Classification: Uncertain significance for Isolated focal cortical dysplasia type II. Last evaluated: 2024-03-11. Review status: criteria provided, single submitter. Criteria: ACMG Guidelines, 2015. Collection method: clinical testing. Allele origin: unknown.

NM_000548.5(TSC2):c.3562C>G (p.Pro1188Ala)

Gene: TSC2 (TSC complex subunit 2; plus strand). Cytogenetic location: 16p13.3.
Variant type: single nucleotide variant.
Coding change: c.3562C>G on transcript NM_000548.5 (MANE Select); coding-DNA position 3562, C replaced by G.
Protein change: p.Pro1188Ala; replaces proline 1188 with alanine.
Molecular consequence: missense variant.
Genome position (GRCh38, 1-based): chr16:2,080,329, C>G. VCF-style: chr16-2080329-C-G. GRCh37 (hg19) VCF-style: chr16-2130330-C-G.
Other names: c.3433C>G, p.Pro1145Ala (NM_001370405.1, NM_001363528.2, NM_021055.3); c.3559C>G, p.Pro1187Ala (NM_001406663.1, NM_001406664.1); c.3430C>G, p.Pro1144Ala (NM_001406665.1, NM_001077183.3, NM_001370404.1); c.3523C>G, p.Pro1175Ala (NM_001406667.1); c.3520C>G, p.Pro1174Ala (NM_001406668.1); c.3451C>G, p.Pro1151Ala (NM_001406670.1); c.3421C>G, p.Pro1141Ala (NM_001406671.1); c.3418C>G, p.Pro1140Ala (NM_001406673.1); and 18 more; short protein forms P1095A, P1140A, P1144A, P1145A, P1155A, P1187A, P991A, P697A.
Identifiers: ClinVar variation 1732719 (VCV001732719.4), dbSNP rs2151461242, ClinGen allele CA394289563.